The following is an entry in ClinVar:

ClinVar aggregate classification (germline): Pathogenic. Review status: reviewed by expert panel (3 of 4 stars). 4 submissions from 4 submitters: Pathogenic (1). 3 of the submissions do not count toward it. Last evaluated 2016-09-08.

Conditions:
Hereditary cancer-predisposing syndrome. Also called: Hereditary Cancer Syndrome; Hereditary neoplastic syndrome; Neoplastic Syndromes, Hereditary; Tumor predisposition. Identifiers: Orphanet 140162, MedGen C0027672, MeSH D009386, MONDO:0015356.
Breast-ovarian cancer, familial, susceptibility to, 1 (BROVCA1). Also called: BRCA1 Hereditary Breast and Ovarian Cancer; OVARIAN CANCER, SUSCEPTIBILITY TO. Identifiers: Orphanet 145, MedGen C2676676, MONDO:0011450, OMIM 604370. Disease mechanism: loss of function.
Hereditary breast ovarian cancer syndrome. Also called: BRCA1- and BRCA2-Associated Hereditary Breast and Ovarian Cancer; Hereditary breast and ovarian cancer syndrome; Hereditary breast and ovarian cancer syndrome (HBOC); Breast and ovarian cancer; Hereditary breast and/or ovarian cancer syndrome; Hereditary breast and ovarian cancer. Identifiers: Orphanet 145, MedGen C0677776, MeSH D061325, MONDO:0003582. Disease mechanism: loss of function.

Submissions (4):

Evidence-based Network for the Interpretation of Germline Mutant Alleles (ENIGMA)
Classification: Pathogenic for Breast-ovarian cancer, familial, susceptibility to, 1. Last evaluated: 2016-09-08. Review status: reviewed by expert panel. Criteria: ENIGMA BRCA1/2 Classification Criteria (2015). Collection method: curation. Allele origin: germline.
Comment: Variant allele predicted to encode a truncated non-functional protein.

Ambry Genetics
Classification: Pathogenic for Hereditary cancer-predisposing syndrome. Last evaluated: 2019-10-14. Review status: criteria provided, single submitter. Criteria: Ambry Variant Classification Scheme 2023. Collection method: clinical testing. Allele origin: germline. Not counted in ClinVar's aggregate classification.
Comment: The c.4595_4596insCT pathogenic mutation, located in coding exon 13 of the BRCA1 gene, results from an insertion of two nucleotides at position 4595, causing a translational frameshift with a predicted alternate stop codon (p.D1533Lfs*16). This alteration was identified in a cohort of hereditary breast cancer families and included at least one diagnosis of male breast cancer (Serova OM et al. Am. J. Hum. Genet. 1997 Mar;60:486-95). Of note, this alteration is also designated as 4714insCT and 4713insTC in the published literature. This alteration is expected to result in loss of function by premature protein truncation or nonsense-mediated mRNA decay. As such, this alteration is interpreted as a disease-causing mutation.

Research Molecular Genetics Laboratory, Women's College Hospital, University of Toronto
Classification: Pathogenic for Hereditary breast ovarian cancer syndrome. Last evaluated: 2014-01-31. Review status: no assertion criteria provided. Collection method: research. Allele origin: germline. Affected: yes. Study: The Canadian Open Genetics Repository (COGR). Not counted in ClinVar's aggregate classification.

Breast Cancer Information Core (BIC) (BRCA1)
Classification: Pathogenic for Breast-ovarian cancer, familial 1. Review status: no assertion criteria provided. Collection method: clinical testing. Allele origin: germline. Affected: yes. Observed: 1 variant allele. Not counted in ClinVar's aggregate classification.

Literature cited by the submitters: PubMed 9042907 (cited by Ambry Genetics).

NM_007294.4(BRCA1):c.4595_4596insCT (p.Asp1533fs)

Gene: BRCA1 (BRCA1 DNA repair associated; minus strand). Cytogenetic location: 17q21.31.
Variant type: Insertion.
Coding change: c.4595_4596insCT on transcript NM_007294.4 (MANE Select); coding-DNA positions 4595 to 4596, CT inserted.
Protein change: p.Asp1533fs; shifts the reading frame from aspartic acid 1533.
Molecular consequence: frameshift variant. On other transcripts: non-coding transcript variant (1).
Genome position: GRCh38 VCF-style: chr17-43074410-A-AAG. GRCh37 (hg19) VCF-style: chr17-41226427-A-AAG.
Other names: 4714insCT; 4713insTC; c.4595_4596insCT, p.Asp1533fs (NM_007294.3); c.4381_4382insTC, p.Asp1462Leufs (NM_001407571.1, NM_001407894.1, NM_001407895.1 and 12 more transcripts); c.4660_4661insTC, p.Asp1555Leufs (NM_001407581.1, NM_001407582.1); c.4657_4658insTC, p.Asp1554Leufs (NM_001407583.1, NM_001407585.1, NM_001407587.1); c.4654_4655insTC, p.Asp1553Leufs (NM_001407590.1, NM_001407591.1); c.4594_4595insTC, p.Asp1533Leufs (NM_001407593.1, NM_001407594.1, NM_001407596.1 and 8 more transcripts); and 74 more; short protein forms D1486fs, D429fs, D1533fs, D1554fs.
Identifiers: ClinVar variation 55234 (VCV000055234.8), dbSNP rs80357699, ClinGen allele CA002919.
Genomic context (GRCh38, chr17:43,074,410, plus strand): 5'-GTAAGATGTTTCCGTCAAATCGTGTGGCCCAGACTCTTCCAGCTGTTGCTCCTCCACATC[A>AAG]ACAACCTTAATGAGCTCCTCTTGAGATGGGTAGTTTCTATTCTGAAGACTCCCAGAGCAA-3'